The following is an entry in ClinVar:

NM_000359.3(TGM1):c.2405A>T (p.Asp802Val)

Gene: TGM1 (transglutaminase 1; minus strand). Cytogenetic location: 14q12.
Variant type: single nucleotide variant.
Coding change: c.2405A>T on transcript NM_000359.3 (MANE Select); coding-DNA position 2405, A replaced by T.
Protein change: p.Asp802Val; replaces aspartic acid 802 with valine.
Molecular consequence: missense variant.
Genome position (GRCh38, 1-based): chr14:24,249,362, T>A on the plus strand (A>T on the coding strand, the complement: TGM1 is on the minus strand). VCF-style: chr14-24249362-T-A. GRCh37 (hg19) VCF-style: chr14-24718568-T-A.
Other names: short protein forms D802V.
Identifiers: ClinVar variation 719753 (VCV000719753.17), dbSNP rs2228337, ClinGen allele CA7130800.
Genomic context (GRCh38, chr14:24,249,362, plus strand): 5'-CTGGCACGGGGCTAAGCTCCACCTCGAGATGCCATAGGGATGGTCTCTCCTAAGTGACTG[T>A]CACCTCCAGCGTCTGAGAAGAAGCCCCCATCCCCAGGGGCTGGGGCCACATCCACCTGGA-3'
Protein context (NP_000350.1, residues 792-812): DGGFFSDAGG[Asp802Val]SHLGETIPMA

ClinVar aggregate classification (germline): Benign/Likely benign. Review status: criteria provided, multiple submitters, no conflicts (2 of 4 stars). 4 submissions from 4 submitters: Benign (2); Likely benign (1). 1 of the submissions does not count toward it. Last evaluated 2026-01-31.

Conditions:
Autosomal recessive congenital ichthyosis 1 (LI1). Also called: LAMELLAR EXFOLIATION OF NEWBORN; ICHTHYOSIS, CONGENITAL, AUTOSOMAL RECESSIVE 1, WITH BATHING SUIT DISTRIBUTION; COLLODION FETUS; DESQUAMATION OF NEWBORN; ICHTHYOSIS CONGENITA; ICHTHYOSIS CONGENITA II. Identifiers: MedGen C4551630, MONDO:0009441, OMIM 242300.

Allele frequency attached by ClinVar (database versions not stated): gnomAD exomes 0.00025 and 0.00077; ExAC 0.00097; gnomAD 0.00259 and 0.00273; 1000 Genomes Project 0.00280; 1000 Genomes Project 30x 0.00281; TOPMed 0.00296; ESP Exome Variant Server 0.00331.

Submissions (4):

Labcorp Genetics (formerly Invitae), Labcorp
Classification: Benign. Last evaluated: 2026-01-31. Review status: criteria provided, single submitter. Criteria: Invitae Variant Classification Sherloc (09022015). Collection method: clinical testing. Allele origin: germline.

Illumina Laboratory Services, Illumina
Classification: Likely benign for Autosomal recessive congenital ichthyosis 1. Last evaluated: 2018-01-13. Review status: criteria provided, single submitter. Criteria: ICSL Variant Classification Criteria 13 December 2019. Collection method: clinical testing. Allele origin: germline.
Comment: This variant was observed in the ICSL laboratory as part of a predisposition screen in an ostensibly healthy population. It had not been previously curated by ICSL or reported in the Human Gene Mutation Database (HGMD: prior to June 1st, 2018), and was therefore a candidate for classification through an automated scoring system. Utilizing variant allele frequency, disease prevalence and penetrance estimates, and inheritance mode, an automated score was calculated to assess if this variant is too frequent to cause the disease. Based on the score and internal cut-off values, a variant classified as likely benign is not then subjected to further curation. The score for this variant resulted in a classification of likely benign for this disease.

Genome-Nilou Lab
Classification: Benign for Autosomal recessive congenital ichthyosis 1. Review status: criteria provided, single submitter. Criteria: ACMG Guidelines, 2015. Collection method: clinical testing. Allele origin: germline.

Natera, Inc.
Classification: Benign for Autosomal recessive congenital ichthyosis type 1. Last evaluated: 2020-04-17. Review status: no assertion criteria provided. Collection method: clinical testing. Allele origin: germline. Not counted in ClinVar's aggregate classification.